The following is an entry in ClinVar:

NM_006431.3(CCT2):c.1427C>T (p.Ala476Val)

Gene: CCT2 (chaperonin containing TCP1 subunit 2; plus strand). Cytogenetic location: 12q15.
Variant type: single nucleotide variant.
Coding change: c.1427C>T on transcript NM_006431.3 (MANE Select); coding-DNA position 1427, C replaced by T.
Protein change: p.Ala476Val; replaces alanine 476 with valine.
Molecular consequence: missense variant.
Genome position (GRCh38, 1-based): chr12:69,598,413, C>T. VCF-style: chr12-69598413-C-T. GRCh37 (hg19) VCF-style: chr12-69992193-C-T.
Other names: c.1286C>T, p.Ala429Val (NM_001198842.2); short protein forms A429V, A476V.
Identifiers: ClinVar variation 1018108 (VCV001018108.8), dbSNP rs201647356, ClinGen allele CA6680860.
Genomic context (GRCh38, chr12:69,598,413, plus strand): 5'-ATGACAGTGCAGACCTGGTGGCACAGCTCAGGGCTGCTCACAGTGAAGGCAATACCACTG[C>T]TGGATTGGGTAAGCAATCAAGGGGAACTTTGTGGCCGTTGTTAAAAGTAACTCTTTTCAC-3'
Protein context (NP_006422.1, residues 466-486): RAAHSEGNTT[Ala476Val]GLDMREGTIG

ClinVar aggregate classification (germline): Uncertain significance (1 of 4 stars; one submission).

Allele frequency attached by ClinVar (database versions not stated): gnomAD exomes below 0.00001; ExAC 0.00001; TOPMed 0.00001.
gnomAD v4.1: 3 of 1,582,932 alleles (0.00019%); highest among the groups gnomAD compares: Non-Finnish European, 0.00026%; no homozygotes.

Submission:

Labcorp Genetics (formerly Invitae), Labcorp
Classification: Uncertain significance. Last evaluated: 2025-05-12. Review status: criteria provided, single submitter. Criteria: Invitae Variant Classification Sherloc (09022015). Collection method: clinical testing. Allele origin: germline.
Comment: This sequence change replaces alanine, which is neutral and non-polar, with valine, which is neutral and non-polar, at codon 476 of the CCT2 protein (p.Ala476Val). The frequency data for this variant in the population databases is considered unreliable, as metrics indicate poor data quality at this position in the gnomAD database. This variant has not been reported in the literature in individuals affected with CCT2-related conditions. ClinVar contains an entry for this variant (Variation ID: 1018108). An algorithm developed to predict the effect of missense changes on protein structure and function (PolyPhen-2) suggests that this variant is likely to be tolerated. In summary, the available evidence is currently insufficient to determine the role of this variant in disease. Therefore, it has been classified as a Variant of Uncertain Significance.